The following is an entry in ClinVar:

ClinVar aggregate classification (germline): Uncertain significance (1 of 4 stars; one submission).

Allele frequency attached by ClinVar (database versions not stated): gnomAD 0.00001; gnomAD exomes 0.00001; ExAC 0.00003.
gnomAD v4.1: 21 of 1,612,636 alleles (0.0013%); highest among the groups gnomAD compares: South Asian, 0.021%; no homozygotes.

Submission:

Labcorp Genetics (formerly Invitae), Labcorp
Classification: Uncertain significance. Last evaluated: 2022-06-26. Review status: criteria provided, single submitter. Criteria: Invitae Variant Classification Sherloc (09022015). Collection method: clinical testing. Allele origin: germline.
Comment: This sequence change replaces arginine, which is basic and polar, with glycine, which is neutral and non-polar, at codon 220 of the DGAT1 protein (p.Arg220Gly). This variant is present in population databases (rs782671953, gnomAD 0.02%). This variant has not been reported in the literature in individuals affected with DGAT1-related conditions. Algorithms developed to predict the effect of missense changes on protein structure and function (SIFT, PolyPhen-2, Align-GVGD) all suggest that this variant is likely to be tolerated. In summary, the available evidence is currently insufficient to determine the role of this variant in disease. Therefore, it has been classified as a Variant of Uncertain Significance.

NM_012079.6(DGAT1):c.658A>G (p.Arg220Gly)

Gene: DGAT1 (diacylglycerol O-acyltransferase 1; minus strand). Cytogenetic location: 8q24.3.
Variant type: single nucleotide variant.
Coding change: c.658A>G on transcript NM_012079.6 (MANE Select); coding-DNA position 658, A replaced by G.
Protein change: p.Arg220Gly; replaces arginine 220 with glycine.
Molecular consequence: missense variant.
Genome position (GRCh38, 1-based): chr8:144,318,279, T>C on the plus strand (A>G on the coding strand, the complement: DGAT1 is on the minus strand). VCF-style: chr8-144318279-T-C. GRCh37 (hg19) VCF-style: chr8-145541942-T-C.
Other names: short protein forms R220G.
Identifiers: ClinVar variation 2010818 (VCV002010818.1), dbSNP rs782671953, ClinGen allele CA4936929.